The following is an entry in ClinVar:

NM_001371596.2(MFSD8):c.1280G>T (p.Gly427Val)

Gene: MFSD8 (major facilitator superfamily domain containing 8; minus strand). Cytogenetic location: 4q28.2.
Variant type: single nucleotide variant.
Coding change: c.1280G>T on transcript NM_001371596.2 (MANE Select); coding-DNA position 1280, G replaced by T.
Protein change: p.Gly427Val; replaces glycine 427 with valine.
Molecular consequence: missense variant. On other transcripts: 3 prime UTR variant (1).
Genome position (GRCh38, 1-based): chr4:127,921,594, C>A on the plus strand (G>T on the coding strand, the complement: MFSD8 is on the minus strand). VCF-style: chr4-127921594-C-A. GRCh37 (hg19) VCF-style: chr4-128842749-C-A.
Other names: c.1079G>T, p.Gly360Val (NM_001363520.3); c.965G>T, p.Gly322Val (NM_001363521.3); c.1145G>T, p.Gly382Val (NM_001371590.2); c.1280G>T, p.Gly427Val (NM_001371591.2, NM_152778.4); c.1286G>T, p.Gly429Val (NM_001371592.2); c.1166G>T, p.Gly389Val (NM_001371593.2); c.1133G>T, p.Gly378Val (NM_001371594.2); c.998G>T, p.Gly333Val (NM_001371595.1); and 2 more; short protein forms G360V, G429V, G277V, G382V, G322V, G333V, G427V, G378V.
Identifiers: ClinVar variation 2772710 (VCV002772710.3), dbSNP rs760640742, ClinGen allele CA358171110.

ClinVar aggregate classification (germline): Uncertain significance (1 of 4 stars; one submission).

Conditions:
Neuronal ceroid lipofuscinosis 7 (CLN7). Also called: MFSD8-Related Neuronal Ceroid-Lipofuscinosis. Identifiers: Orphanet 168491, Orphanet 228366, MedGen C1838571, MONDO:0012588, OMIM 610951.

Allele frequency attached by ClinVar (database versions not stated): TOPMed below 0.00001; gnomAD 0.00001.
gnomAD v4.1: 1 of 1,614,042 alleles (0.000062%); highest among the groups gnomAD compares: African/African-American, 0.0013%; no homozygotes.

Submission:

Labcorp Genetics (formerly Invitae), Labcorp
Classification: Uncertain significance for Neuronal ceroid lipofuscinosis 7. Last evaluated: 2023-10-29. Review status: criteria provided, single submitter. Criteria: Invitae Variant Classification Sherloc (09022015). Collection method: clinical testing. Allele origin: germline.
Comment: This sequence change replaces glycine, which is neutral and non-polar, with valine, which is neutral and non-polar, at codon 427 of the MFSD8 protein (p.Gly427Val). This variant is not present in population databases (gnomAD no frequency). This variant has not been reported in the literature in individuals affected with MFSD8-related conditions. Advanced modeling of protein sequence and biophysical properties (such as structural, functional, and spatial information, amino acid conservation, physicochemical variation, residue mobility, and thermodynamic stability) performed at Invitae indicates that this missense variant is not expected to disrupt MFSD8 protein function with a negative predictive value of 80%. In summary, the available evidence is currently insufficient to determine the role of this variant in disease. Therefore, it has been classified as a Variant of Uncertain Significance.